The following is an entry in ClinVar:

NM_000094.4(COL7A1):c.5487G>A (p.Pro1829=)

Gene: COL7A1 (collagen type VII alpha 1 chain; minus strand). Cytogenetic location: 3p21.31.
Variant type: single nucleotide variant.
Coding change: c.5487G>A on transcript NM_000094.4 (MANE Select); coding-DNA position 5487, G replaced by A.
Protein change: p.Pro1829=; no amino-acid change (proline 1829 retained).
Molecular consequence: synonymous variant.
Genome position (GRCh38, 1-based): chr3:48,578,453, C>T on the plus strand (G>A on the coding strand, the complement: COL7A1 is on the minus strand). VCF-style: chr3-48578453-C-T. GRCh37 (hg19) VCF-style: chr3-48615886-C-T.
Identifiers: ClinVar variation 3694347 (VCV003694347.3).

ClinVar aggregate classification (germline): Conflicting classifications of pathogenicity. Review status: criteria provided, conflicting classifications (1 of 4 stars). 2 submissions from 2 submitters: Likely pathogenic (1); Uncertain significance (1). Last evaluated 2025-12-02.

Conditions:
Recessive dystrophic epidermolysis bullosa (RDEB). Also called: Hallopeau-Siemens Disease; epidermolysis bullosa dystrophica, autosomal recessive; Epidermolysis Bullosa Distrophica Autosomal Recessive (RDEB); Recessive DEB (RDEB); DYSTROPHIC EPIDERMOLYSIS BULLOSA, AUTOSOMAL RECESSIVE; EPIDERMOLYSIS BULLOSA DYSTROPHICA, GENERALIZED SEVERE, AUTOSOMAL RECESSIVE. Identifiers: Orphanet 79408, Orphanet 79409, MedGen C0079474, MONDO:0009179, OMIM 226600.

gnomAD v4.1: 10 of 1,613,204 alleles (0.00062%); highest among the groups gnomAD compares: Non-Finnish European, 0.00068%; no homozygotes.

Submissions (2):

Myriad Genetics, Inc.
Classification: Uncertain significance for Recessive dystrophic epidermolysis bullosa. Last evaluated: 2025-12-02. Review status: criteria provided, single submitter. Criteria: Myriad Autosomal Dominant, Autosomal Recessive and X-Linked Classification Criteria (2023). Collection method: clinical testing. Allele origin: unknown.
Comment: NM_000094.3(COL7A1):c.5487G>A(aka P1829=) is a silent variant classified as a variant of uncertain significance in the context of dystrophic epidermolysis bullosa. P1829= has been observed in a case with relevant disease (PMID: 36287101). Relevant functional assessments of this variant are not available in the literature. P1829= has been observed in referenced population frequency databases. In summary, there is insufficient evidence to classify NM_000094.3(COL7A1):c.5487G>A(aka P1829=) as pathogenic or benign. Please note: this variant was assessed in the context of healthy population screening.

Labcorp Genetics (formerly Invitae), Labcorp
Classification: Likely pathogenic. Last evaluated: 2025-11-19. Review status: criteria provided, single submitter. Criteria: Invitae Variant Classification Sherloc (09022015). Collection method: clinical testing. Allele origin: germline.
Comment: This sequence change affects codon 1829 of the COL7A1 mRNA. It is a 'silent' change, meaning that it does not change the encoded amino acid sequence of the COL7A1 protein. This variant also falls at the last nucleotide of exon 63, which is part of the consensus splice site for this exon. This variant is present in population databases (rs750754861, gnomAD 0.01%). This variant has been observed in individual(s) with autosomal recessive dystrophic epidermolysis bullosa (RDEB) (PMID: 36287101). In at least one individual the data is consistent with being in trans (on the opposite chromosome) from a pathogenic variant. ClinVar contains an entry for this variant (Variation ID: 3694347). Variants that disrupt the consensus splice site are a relatively common cause of aberrant splicing (PMID: 17576681, 9536098). Algorithms developed to predict the effect of sequence changes on RNA splicing suggest that this variant may disrupt the consensus splice site. In summary, the currently available evidence indicates that the variant is pathogenic, but additional data are needed to prove that conclusively. Therefore, this variant has been classified as Likely Pathogenic.

Literature cited by the submitters: PubMed 36287101 (cited by Myriad Genetics, Inc. and Labcorp Genetics (formerly Invitae), Labcorp); PubMed 17576681 (cited by Labcorp Genetics (formerly Invitae), Labcorp); PubMed 9536098 (cited by Labcorp Genetics (formerly Invitae), Labcorp).